The following is an entry in ClinVar:

NM_003105.6(SORL1):c.5834A>G (p.Lys1945Arg)

Gene: SORL1 (sortilin related receptor 1; plus strand). Cytogenetic location: 11q24.1.
Variant type: single nucleotide variant.
Coding change: c.5834A>G on transcript NM_003105.6 (MANE Select); coding-DNA position 5834, A replaced by G.
Protein change: p.Lys1945Arg; replaces lysine 1945 with arginine.
Molecular consequence: missense variant.
Genome position (GRCh38, 1-based): chr11:121,619,862, A>G. VCF-style: chr11-121619862-A-G. GRCh37 (hg19) VCF-style: chr11-121490571-A-G.
Other names: short protein forms K1945R.
Identifiers: ClinVar variation 4171941 (VCV004171941.2).
Genomic context (GRCh38, chr11:121,619,862, plus strand): 5'-TGAAGATGATCCCGGACAGCAGGCTTCCACCCCGTCACCTGCATGTGGTTCATACGGGCA[A>G]AACCTCCGTGGTCATCAAGTGGGAATCACCGTATGACTCTCCTGACCAGGACTTGGTGAG-3'
Protein context (NP_003096.2, residues 1935-1955): PRHLHVVHTG[Lys1945Arg]TSVVIKWESP

ClinVar aggregate classification (germline): Uncertain significance. Review status: criteria provided, multiple submitters, no conflicts (2 of 4 stars). 2 submissions from 2 submitters: Uncertain significance (2). Last evaluated 2025-08-06.

gnomAD v4.1: 24 of 1,614,124 alleles (0.0015%); highest among the groups gnomAD compares: Non-Finnish European, 0.002%; no homozygotes.

Submissions (2):

Labcorp Genetics (formerly Invitae), Labcorp
Classification: Uncertain significance. Last evaluated: 2025-08-06. Review status: criteria provided, single submitter. Criteria: Invitae Variant Classification Sherloc (09022015). Collection method: clinical testing. Allele origin: germline.
Comment: This sequence change replaces lysine, which is basic and polar, with arginine, which is basic and polar, at codon 1945 of the SORL1 protein (p.Lys1945Arg). This variant is present in population databases (rs367819410, gnomAD 0.0009%). This variant has not been reported in the literature in individuals affected with SORL1-related conditions. An algorithm developed to predict the effect of missense changes on protein structure and function (PolyPhen-2) suggests that this variant is likely to be disruptive. In summary, the available evidence is currently insufficient to determine the role of this variant in disease. Therefore, it has been classified as a Variant of Uncertain Significance.

Ambry Genetics
Classification: Uncertain significance. Last evaluated: 2025-07-08. Review status: criteria provided, single submitter. Criteria: Ambry Variant Classification Scheme 2023. Collection method: clinical testing. Allele origin: germline.